The following is an entry in ClinVar:

ClinVar aggregate classification (germline): Conflicting classifications of pathogenicity. Review status: criteria provided, conflicting classifications (1 of 4 stars). 3 submissions from 3 submitters: Uncertain significance (1); Likely benign (2). Last evaluated 2025-11-19.

Conditions:
Charcot-Marie-Tooth disease type 2. Also called: Charcot-Marie-Tooth type 2. Identifiers: Orphanet 64746, MedGen C0270914, MONDO:0018993.

Allele frequency attached by ClinVar (database versions not stated): ExAC 0.00004; gnomAD 0.00006 and 0.00004; gnomAD exomes 0.00006 and 0.00012; TOPMed 0.00006.
gnomAD v4.1: 185 of 1,610,390 alleles (0.011%); highest among the groups gnomAD compares: Non-Finnish European, 0.015%; no homozygotes.

Submissions (3):

Women's Health and Genetics/Laboratory Corporation of America, LabCorp
Classification: Uncertain significance. Last evaluated: 2025-11-19. Review status: criteria provided, single submitter. Criteria: LabCorp Variant Classification Summary - May 2015. Collection method: clinical testing. Allele origin: germline.
Comment: Variant summary: KIF1B c.2904A>C (p.Ala968Ala) alters a nucleotide located close to a canonical splice site and therefore could affect mRNA splicing, leading to a significantly altered protein sequence. Several computational tools predict a significant impact on normal splicing: Four predict the variant weakens a 5' donor site. However, these predictions have yet to be confirmed by functional studies. The variant allele was found at a frequency of 5.6e-05 in 251296 control chromosomes. This frequency is not significantly higher than estimated for disease-causing variants in KIF1B, allowing no conclusion about variant significance. To our knowledge, no occurrence of c.2904A>C in individuals affected with KIF1B-related conditions and no experimental evidence demonstrating its impact on protein function have been reported. ClinVar contains an entry for this variant (Variation ID: 647506). Based on the evidence outlined above, the variant was classified as uncertain significance.

Labcorp Genetics (formerly Invitae), Labcorp
Classification: Likely benign for Charcot-Marie-Tooth disease type 2. Last evaluated: 2025-01-29. Review status: criteria provided, single submitter. Criteria: Invitae Variant Classification Sherloc (09022015). Collection method: clinical testing. Allele origin: germline.

Ambry Genetics
Classification: Likely benign. Last evaluated: 2020-10-23. Review status: criteria provided, single submitter. Criteria: Ambry Variant Classification Scheme 2023. Collection method: clinical testing. Allele origin: germline.

NM_001365951.3(KIF1B):c.3042A>C (p.Ala1014=)

Gene: KIF1B (kinesin family member 1B; plus strand). Cytogenetic location: 1p36.22.
Variant type: single nucleotide variant.
Coding change: c.3042A>C on transcript NM_001365951.3 (MANE Select); coding-DNA position 3042, A replaced by C.
Protein change: p.Ala1014=; no amino-acid change (alanine 1014 retained).
Molecular consequence: synonymous variant.
Genome position (GRCh38, 1-based): chr1:10,334,637, A>C. VCF-style: chr1-10334637-A-C. GRCh37 (hg19) VCF-style: chr1-10394695-A-C.
Other names: c.3042A>C, p.Ala1014= (NM_001365952.1); c.2904A>C, p.Ala968= (NM_015074.3).
Identifiers: ClinVar variation 647506 (VCV000647506.14), dbSNP rs748192983, ClinGen allele CA581677.